The following is an entry in ClinVar:

NM_004366.6(CLCN2):c.603G>A (p.Pro201=)

Gene: CLCN2 (chloride voltage-gated channel 2; minus strand). Cytogenetic location: 3q27.1.
Variant type: single nucleotide variant.
Coding change: c.603G>A on transcript NM_004366.6 (MANE Select); coding-DNA position 603, G replaced by A.
Protein change: p.Pro201=; no amino-acid change (proline 201 retained).
Molecular consequence: synonymous variant.
Genome position (GRCh38, 1-based): chr3:184,357,974, C>T on the plus strand (G>A on the coding strand, the complement: CLCN2 is on the minus strand). VCF-style: chr3-184357974-C-T. GRCh37 (hg19) VCF-style: chr3-184075762-C-T.
Other names: c.603G>A, p.Pro201= (NM_001171087.3, NM_001171089.3); c.471G>A, p.Pro157= (NM_001171088.3).
Identifiers: ClinVar variation 2583019 (VCV002583019.25), dbSNP rs748103591, ClinGen allele CA2734453.

ClinVar aggregate classification (germline): Likely benign (1 of 4 stars; one submission).

Allele frequency attached by ClinVar (database versions not stated): ExAC 0.00001; gnomAD exomes 0.00001; gnomAD 0.00002; TOPMed 0.00002.

Submission:

CeGaT Center for Human Genetics Tuebingen
Classification: Likely benign. Last evaluated: 2023-09-01. Review status: criteria provided, single submitter. Criteria: CeGaT Center For Human Genetics Tuebingen Variant Classification Criteria Version 2. Collection method: clinical testing. Allele origin: germline. Affected: yes. Observed: 1 variant allele.
Comment: CLCN2: BP4, BP7